The following is an entry in ClinVar:

NM_001458.5(FLNC):c.5465T>G (p.Ile1822Ser)

Genes: FLNC (filamin C; plus strand), FLNC-AS1 (FLNC antisense RNA 1; minus strand). Cytogenetic location: 7q32.1.
Variant type: single nucleotide variant.
Coding change: c.5465T>G on transcript NM_001458.5 (MANE Select); coding-DNA position 5465, T replaced by G.
Protein change: p.Ile1822Ser; replaces isoleucine 1822 with serine.
Molecular consequence: missense variant.
Genome position (GRCh38, 1-based): chr7:128,850,869, T>G. VCF-style: chr7-128850869-T-G. GRCh37 (hg19) VCF-style: chr7-128490923-T-G.
Other names: c.5366T>G, p.Ile1789Ser (NM_001127487.2); short protein forms I1822S, I1789S.
Identifiers: ClinVar variation 2450898 (VCV002450898.2), dbSNP rs751341382, ClinGen allele CA369206764.
Genomic context (GRCh38, chr7:128,850,869, plus strand): 5'-TGCGGATGCCCTCGGGGAAGACGGCACGGCCCAACATCACCGACAACAAGGACGGCACCA[T>G]CACGGTGAGGTATGCACCCACTGAGAAAGGCCTGCACCAGATGGGGATCAAGTATGACGG-3'
Protein context (NP_001449.3, residues 1812-1832): PNITDNKDGT[Ile1822Ser]TVRYAPTEKG

ClinVar aggregate classification (germline): Uncertain significance (1 of 4 stars; one submission).

Conditions:
Cardiovascular phenotype. Identifiers: MedGen CN230736.

Submission:

Ambry Genetics
Classification: Uncertain significance for Cardiovascular phenotype. Last evaluated: 2023-01-20. Review status: criteria provided, single submitter. Criteria: Ambry Variant Classification Scheme 2023. Collection method: clinical testing. Allele origin: germline.
Comment: The p.I1822S variant (also known as c.5465T>G), located in coding exon 33 of the FLNC gene, results from a T to G substitution at nucleotide position 5465. The isoleucine at codon 1822 is replaced by serine, an amino acid with dissimilar properties. This amino acid position is conserved. In addition, the in silico prediction for this alteration is inconclusive. Since supporting evidence is limited at this time, the clinical significance of this alteration remains unclear.